The following is an entry in ClinVar:

NM_001374736.1(DST):c.19464+20T>C

Gene: DST (dystonin; minus strand). Cytogenetic location: 6p12.1.
Variant type: single nucleotide variant.
Coding change: c.19464+20T>C on transcript NM_001374736.1 (MANE Select); 20 bases into the intron after coding-DNA position 19464, T replaced by C.
Molecular consequence: intron variant.
Genome position (GRCh38, 1-based): chr6:56,506,423, A>G on the plus strand (T>C on the coding strand, the complement: DST is on the minus strand). VCF-style: chr6-56506423-A-G. GRCh37 (hg19) VCF-style: chr6-56371221-A-G.
Other names: c.13107+20T>C (NM_001144769.5); c.19464+20T>C (NM_001374722.1); c.19491+20T>C (NM_001374734.1); c.12693+20T>C (NM_001144770.2); c.12246+20T>C (NM_001374730.1); c.12573+20T>C (NM_001386100.1, NM_183380.4); c.18504+20T>C (NM_001374729.1); c.11595+20T>C (NM_015548.5).
Identifiers: ClinVar variation 2926904 (VCV002926904.3), dbSNP rs764163509, ClinGen allele CA3866995.

ClinVar aggregate classification (germline): Uncertain significance (1 of 4 stars; one submission).

Conditions:
Hereditary sensory and autonomic neuropathy type 6. Also called: HSAN VI; Neuropathy, hereditary sensory and autonomic, type VI. Identifiers: Orphanet 314381, MedGen C3539003, MONDO:0013839, OMIM 614653.
Epidermolysis bullosa simplex 3, localized or generalized intermediate, with BP230 deficiency (EBS3). Also called: Epidermolysis bullosa simplex, autosomal recessive 2; Epidermolysis bullosa simplex due to BP230 deficiency. Identifiers: Orphanet 412181, MedGen C3809470, MONDO:0014180, OMIM 615425.

Allele frequency attached by ClinVar (database versions not stated): TOPMed below 0.00001; ExAC 0.00001; gnomAD exomes 0.00003.
gnomAD v4.1: 37 of 1,593,190 alleles (0.0023%); highest among the groups gnomAD compares: Non-Finnish European, 0.0032%; no homozygotes.

Submission:

Labcorp Genetics (formerly Invitae), Labcorp
Classification: Uncertain significance for Epidermolysis bullosa simplex 3, localized or generalized intermediate, with BP230 deficiency; Hereditary sensory and autonomic neuropathy type 6. Last evaluated: 2024-01-31. Review status: criteria provided, single submitter. Criteria: Invitae Variant Classification Sherloc (09022015). Collection method: clinical testing. Allele origin: germline.
Comment: The DST gene has multiple clinically relevant transcripts. This variant occurs in alternate transcript NM_015548.4, and corresponds to NM_001723.5:c.*109094T>C in the primary transcript. This sequence change falls in intron 58 of the DST gene. It does not directly change the encoded amino acid sequence of the DST protein. This variant is present in population databases (rs764163509, gnomAD 0.0009%). This variant has not been reported in the literature in individuals affected with DST-related conditions. Experimental studies and prediction algorithms are not available or were not evaluated, and the effect of this variant on mRNA splicing is currently unknown. In summary, the available evidence is currently insufficient to determine the role of this variant in disease. Therefore, it has been classified as a Variant of Uncertain Significance.